The following is an entry in ClinVar:

ClinVar aggregate classification (germline): Likely pathogenic (1 of 4 stars; one submission).

Submission:

Institute for Clinical Genetics, University Hospital TU Dresden, University Hospital TU Dresden
Classification: Likely pathogenic. Last evaluated: 2022-05-16. Review status: criteria provided, single submitter. Criteria: ACMG Guidelines, 2015. Collection method: clinical testing. Allele origin: maternal.
Comment: PVS1, PM2_SUP

NM_001349338.3(FOXP1):c.312_313del (p.Gln105fs)

Gene: FOXP1 (forkhead box P1; minus strand). Cytogenetic location: 3p13.
Variant type: Deletion.
Coding change: c.312_313del on transcript NM_001349338.3 (MANE Select); coding-DNA positions 312 to 313, 2 bases deleted (TC; older notation c.312_313delTC).
Protein change: p.Gln105fs; shifts the reading frame from glutamine 105.
Molecular consequence: frameshift variant. On other transcripts: non-coding transcript variant (2), intron variant (1).
Genome position (GRCh38, 1-based): chr3:71,053,743-71,053,744, GA deleted on the plus strand (TC on the coding strand, the reverse complement: FOXP1 is on the minus strand); deleting any 2 consecutive bases within chr3:71,053,743-71,053,745 gives the same sequence; the c. name uses the placement nearest the transcript's 3' end. VCF-style (leftmost placement, unchanged base first): chr3-71053742-TGA-T. GRCh37 (hg19) VCF-style: chr3-71102893-TGA-T.
Other names: c.312_313del, p.Gln105fs (NM_001244808.3, NM_001244810.2, NM_001244814.3 and 4 more transcripts); c.12_13del, p.Gln5fs (NM_001244813.3, NM_001244815.2, NM_001349337.2 and 4 more transcripts); c.311_312delCT, p.Gln105Serfs (NM_001349339.1); c.283-6649_283-6648del (NM_001244812.3); short protein forms Q105fs, Q5fs.
Identifiers: ClinVar variation 2575969 (VCV002575969.1), dbSNP rs2545885560, ClinGen allele CA2580616500.